The following is an entry in ClinVar:

NM_015030.2(FRYL):c.7637_7659delinsGAGGCTTC (p.Glu2546_Ser2553delinsGlyGlyPhe)

Gene: FRYL (FRY like transcription coactivator; minus strand). Cytogenetic location: 4p11.
Variant type: Indel.
Coding change: c.7637_7659delinsGAGGCTTC on transcript NM_015030.2 (MANE Select); coding-DNA positions 7637 to 7659, AGACCCCAACTTTGGAGGCTTCT replaced by GAGGCTTC.
Protein change: p.Glu2546_Ser2553delinsGlyGlyPhe.
Molecular consequence: inframe indel.
Genome position (GRCh38, 1-based): chr4:48,521,078-48,521,100, AGAAGCCTCCAAAGTTGGGGTCT replaced by GAAGCCTC on the plus strand (AGACCCCAACTTTGGAGGCTTCT replaced by GAGGCTTC on the coding strand, the reverse complement: FRYL is on the minus strand). VCF-style: chr4-48521078-AGAAGCCTCCAAAGTTGGGGTCT-GAAGCCTC. GRCh37 (hg19) VCF-style: chr4-48523095-AGAAGCCTCCAAAGTTGGGGTCT-GAAGCCTC.
Identifiers: ClinVar variation 4795762 (VCV004795762.1).
Genomic context (GRCh38, chr4:48,521,078, plus strand): 5'-GGCCATGCACCAGCCTCCATTTCTCCCCACCTCAGGCAGCCGGCTGTTAGCATTATCTAG[AGAAGCCTCCAAAGTTGGGGTCT>GAAGCCTC]CATCCCTGATTTGAAGCACTTCCTCTGTTGTGATGCTGCCAGTGGAATCTTCAGACTGGA-3'

ClinVar aggregate classification (germline): Uncertain significance (1 of 4 stars; one submission).

Submission:

GeneDx
Classification: Uncertain significance. Last evaluated: 2025-08-12. Review status: criteria provided, single submitter. Criteria: GeneDx Variant Classification Process June 2021. Collection method: clinical testing. Allele origin: germline. Affected: yes.
Comment: Not observed at significant frequency in large population cohorts (gnomAD); In-frame deletion of 8 amino acid(s) and insertion of 3 different amino acid(s) in a non-repeat region; In silico analysis supports a deleterious effect on protein structure/function; Has not been previously published as pathogenic or benign to our knowledge